The following is an entry in ClinVar:

NM_000035.4(ALDOB):c.624+6T>C

Gene: ALDOB (aldolase, fructose-bisphosphate B; minus strand). Cytogenetic location: 9q31.1.
Variant type: single nucleotide variant.
Coding change: c.624+6T>C on transcript NM_000035.4 (MANE Select); 6 bases into the intron after coding-DNA position 624, T replaced by C.
Molecular consequence: intron variant.
Genome position (GRCh38, 1-based): chr9:101,426,549, A>G on the plus strand (T>C on the coding strand, the complement: ALDOB is on the minus strand). VCF-style: chr9-101426549-A-G. GRCh37 (hg19) VCF-style: chr9-104188831-A-G.
Identifiers: ClinVar variation 4994543 (VCV004994543.1).

ClinVar aggregate classification (germline): Likely benign (1 of 4 stars; one submission).

Conditions:
ALDOB-related disorder. Also called: ALDOB-related condition.

Submission:

PreventionGenetics, part of Exact Sciences
Classification: Likely benign for ALDOB-related condition. Last evaluated: 2026-04-24. Review status: criteria provided, single submitter. Criteria: ACMG Guidelines, 2015. Collection method: clinical testing. Allele origin: germline.
Comment: This variant is classified as likely benign based on ACMG/AMP sequence variant interpretation guidelines (Richards et al. 2015 PMID: 25741868, with internal and published modifications).